The following is an entry in ClinVar:

NM_000532.5(PCCB):c.571C>G (p.Pro191Ala)

Gene: PCCB (propionyl-CoA carboxylase subunit beta; plus strand). Cytogenetic location: 3q22.3.
Variant type: single nucleotide variant.
Coding change: c.571C>G on transcript NM_000532.5 (MANE Select); coding-DNA position 571, C replaced by G.
Protein change: p.Pro191Ala; replaces proline 191 with alanine.
Molecular consequence: missense variant.
Genome position (GRCh38, 1-based): chr3:136,283,864, C>G. VCF-style: chr3-136283864-C-G. GRCh37 (hg19) VCF-style: chr3-136002706-C-G.
Other names: c.631C>G, p.Pro211Ala (NM_001178014.2); short protein forms P211A, P191A.
Identifiers: ClinVar variation 2847118 (VCV002847118.3), dbSNP rs2529836043, ClinGen allele CA354641817.
Genomic context (GRCh38, chr3:136,283,864, plus strand): 5'-TAACCAGATGCTTTTGCTTTTCTGTTTTGGCAGAGGAATGTTACGGCATCCGGAGTCATC[C>G]CTCAGATTTCTCTGATCATGGGCCCATGTGCTGGTGGGGCCGTCTACTCCCCAGCCCTAA-3'
Protein context (NP_000523.2, residues 181-201): LRNVTASGVI[Pro191Ala]QISLIMGPCA

ClinVar aggregate classification (germline): Uncertain significance (1 of 4 stars; one submission).

Conditions:
Propionic acidemia (PROP). Also called: GLYCINEMIA, KETOTIC; HYPERGLYCINEMIA WITH KETOACIDOSIS AND LEUKOPENIA; KETOTIC HYPERGLYCINEMIA. Identifiers: Orphanet 35, MedGen C0268579, MONDO:0011628, OMIM 606054, HP:0003571.

Allele frequency attached by ClinVar (database versions not stated): gnomAD exomes below 0.00001.
gnomAD v4.1: 2 of 1,613,578 alleles (0.00012%); highest among the groups gnomAD compares: South Asian, 0.0022%; no homozygotes.

Submission:

Labcorp Genetics (formerly Invitae), Labcorp
Classification: Uncertain significance for Propionic acidemia. Last evaluated: 2023-03-18. Review status: criteria provided, single submitter. Criteria: Invitae Variant Classification Sherloc (09022015). Collection method: clinical testing. Allele origin: germline.
Comment: In summary, the available evidence is currently insufficient to determine the role of this variant in disease. Therefore, it has been classified as a Variant of Uncertain Significance. Advanced modeling of protein sequence and biophysical properties (such as structural, functional, and spatial information, amino acid conservation, physicochemical variation, residue mobility, and thermodynamic stability) performed at Invitae indicates that this missense variant is expected to disrupt PCCB protein function. This variant has not been reported in the literature in individuals affected with PCCB-related conditions. This variant is not present in population databases (gnomAD no frequency). This sequence change replaces proline, which is neutral and non-polar, with alanine, which is neutral and non-polar, at codon 191 of the PCCB protein (p.Pro191Ala).